The following is an entry in ClinVar:

NM_000392.5(ABCC2):c.1074G>A (p.Trp358Ter)

Gene: ABCC2 (ATP binding cassette subfamily C member 2; plus strand). Cytogenetic location: 10q24.2.
Variant type: single nucleotide variant.
Coding change: c.1074G>A on transcript NM_000392.5 (MANE Select); coding-DNA position 1074, G replaced by A.
Protein change: p.Trp358Ter; replaces tryptophan 358 with a stop codon.
Molecular consequence: nonsense.
Genome position (GRCh38, 1-based): chr10:99,800,428, G>A. VCF-style: chr10-99800428-G-A. GRCh37 (hg19) VCF-style: chr10-101560185-G-A.
Other names: short protein forms W358*.
Identifiers: ClinVar variation 2760329 (VCV002760329.3), dbSNP rs1313391525, ClinGen allele CA378106160.

ClinVar aggregate classification (germline): Pathogenic (1 of 4 stars; one submission).

Allele frequency attached by ClinVar (database versions not stated): gnomAD exomes below 0.00001.
gnomAD v4.1: 1 of 1,614,160 alleles (0.000062%); highest among the groups gnomAD compares: Non-Finnish European, 0.000085%; no homozygotes.

Submission:

Labcorp Genetics (formerly Invitae), Labcorp
Classification: Pathogenic. Last evaluated: 2023-09-12. Review status: criteria provided, single submitter. Criteria: Invitae Variant Classification Sherloc (09022015). Collection method: clinical testing. Allele origin: germline.
Comment: This sequence change creates a premature translational stop signal (p.Trp358*) in the ABCC2 gene. It is expected to result in an absent or disrupted protein product. Loss-of-function variants in ABCC2 are known to be pathogenic (PMID: 9185779, 16549534, 16952291). This variant is present in population databases (no rsID available, gnomAD 0.0009%). This variant has not been reported in the literature in individuals affected with ABCC2-related conditions. For these reasons, this variant has been classified as Pathogenic.

Literature cited by the submitters: PubMed 9185779; PubMed 16549534; PubMed 16952291.